The following is an entry in ClinVar:

ClinVar aggregate classification (germline): Benign/Likely benign. Review status: criteria provided, multiple submitters, no conflicts (2 of 4 stars). 6 submissions from 6 submitters: Benign (1); Likely benign (5). Last evaluated 2025-11-22.

Conditions:
Hereditary cancer-predisposing syndrome. Also called: Tumor predisposition; Neoplastic Syndromes, Hereditary; Hereditary Cancer Syndrome; Hereditary neoplastic syndrome. Identifiers: Orphanet 140162, MedGen C0027672, MeSH D009386, MONDO:0015356.
Tuberous sclerosis syndrome (TSC). Also called: Tuberous Sclerosis Complex; Tuberous sclerosis. Identifiers: Orphanet 805, MedGen C0041341, MONDO:0001734.
Tuberous sclerosis 1 (TSC1). Identifiers: Orphanet 805, MedGen C1854465, MONDO:0008612, OMIM 191100.

Allele frequency attached by ClinVar (database versions not stated): gnomAD exomes below 0.00001; ExAC 0.00001; gnomAD 0.00001; TOPMed 0.00001.
gnomAD v4.1: 5 of 1,614,062 alleles (0.00031%); highest among the groups gnomAD compares: Admixed American, 0.0083%; no homozygotes.

Submissions (6):

Labcorp Genetics (formerly Invitae), Labcorp
Classification: Likely benign for Tuberous sclerosis 1. Last evaluated: 2025-11-22. Review status: criteria provided, single submitter. Criteria: Invitae Variant Classification Sherloc (09022015). Collection method: clinical testing. Allele origin: germline.

Myriad Genetics, Inc.
Classification: Benign for Tuberous sclerosis 1. Last evaluated: 2025-04-10. Review status: criteria provided, single submitter. Criteria: Myriad Autosomal Dominant, Autosomal Recessive and X-Linked Classification Criteria (2023). Collection method: clinical testing. Allele origin: unknown.
Comment: This variant is considered benign. This variant is a silent/synonymous amino acid change and it is not expected to impact splicing.

All of Us Research Program, National Institutes of Health
Classification: Likely benign for Tuberous sclerosis syndrome. Last evaluated: 2024-06-09. Review status: criteria provided, single submitter. Criteria: ACMG Guidelines, 2015. Collection method: clinical testing. Allele origin: germline. Inheritance: Autosomal dominant inheritance. Observed: 4 variant alleles, 4 heterozygotes.
Comment: This study involves interpretation of variants in research participants for the purpose of population health screening. Participant phenotype was not available at the time of variant classification. Additional details can be found in publication PMID: 35346344, PMCID: PMC8962531

Color Diagnostics, LLC DBA Color Health
Classification: Likely benign for Tuberous sclerosis syndrome. Last evaluated: 2022-11-06. Review status: criteria provided, single submitter. Criteria: ACMG Guidelines, 2015. Collection method: clinical testing. Allele origin: germline.

Genome-Nilou Lab
Classification: Likely benign for Tuberous sclerosis 1. Last evaluated: 2021-11-07. Review status: criteria provided, single submitter. Criteria: ACMG Guidelines, 2015. Collection method: clinical testing. Allele origin: germline. Affected: no.

Ambry Genetics
Classification: Likely benign for Hereditary cancer-predisposing syndrome. Last evaluated: 2018-06-20. Review status: criteria provided, single submitter. Criteria: Ambry Variant Classification Scheme 2023. Collection method: clinical testing. Allele origin: germline.

NM_000368.5(TSC1):c.1869G>A (p.Lys623=)

Gene: TSC1 (TSC complex subunit 1; minus strand). Cytogenetic location: 9q34.13.
Variant type: single nucleotide variant.
Coding change: c.1869G>A on transcript NM_000368.5 (MANE Select); coding-DNA position 1869, G replaced by A.
Protein change: p.Lys623=; no amino-acid change (lysine 623 retained).
Molecular consequence: synonymous variant.
Genome position (GRCh38, 1-based): chr9:132,905,709, C>T on the plus strand (G>A on the coding strand, the complement: TSC1 is on the minus strand). VCF-style: chr9-132905709-C-T. GRCh37 (hg19) VCF-style: chr9-135781096-C-T.
Other names: c.1866G>A, p.Lys622= (NM_001162426.2); c.1716G>A, p.Lys572= (NM_001162427.2); c.1506G>A, p.Lys502= (NM_001362177.2).
Identifiers: ClinVar variation 416656 (VCV000416656.19), dbSNP rs778556382, ClinGen allele CA029962.